The following is an entry in ClinVar:

NM_003072.5(SMARCA4):c.2335G>A (p.Asp779Asn)

Gene: SMARCA4 (SWI/SNF related BAF chromatin remodeling complex subunit ATPase 4; plus strand). Cytogenetic location: 19p13.2.
Variant type: single nucleotide variant.
Coding change: c.2335G>A on transcript NM_003072.5 (MANE Select); coding-DNA position 2335, G replaced by A.
Protein change: p.Asp779Asn; replaces aspartic acid 779 with asparagine.
Molecular consequence: missense variant. On other transcripts: non-coding transcript variant (1).
Genome position (GRCh38, 1-based): chr19:11,013,009, G>A. VCF-style: chr19-11013009-G-A. GRCh37 (hg19) VCF-style: chr19-11123685-G-A.
Other names: c.2335G>A, p.Asp779Asn (NM_001128844.3, NM_001128845.2, NM_001128846.2 and 4 more transcripts); short protein forms D779N.
Identifiers: ClinVar variation 821115 (VCV000821115.5), dbSNP rs1600209264, ClinGen allele CA404053131.
Genomic context (GRCh38, chr19:11,013,009, plus strand): 5'-ATCAAAGGTTTGGAGTGGCTGGTGTCCCTGTACAACAACAACCTGAACGGCATCCTGGCC[G>A]ACGAGATGGGCCTGGGGAAGACCATCCAGACCATCGCGCTCATCACGTACCTCATGGAGC-3'
Protein context (NP_003063.2, residues 769-789): YNNNLNGILA[Asp779Asn]EMGLGKTIQT

ClinVar aggregate classification (germline): Uncertain significance (1 of 4 stars; one submission).
ClinVar aggregate classification (somatic clinical impact): Tier II - Potential (1 of 4 stars; one submission).

Conditions:
Hereditary cancer-predisposing syndrome. Also called: Neoplastic Syndromes, Hereditary; Tumor predisposition; Hereditary Cancer Syndrome; Hereditary neoplastic syndrome. Identifiers: Orphanet 140162, MedGen C0027672, MeSH D009386, MONDO:0015356.
Diffuse midline glioma, H3 K27M-mutant. Identifiers: MedGen C4289688, MONDO:0957196.

Submissions (2):

Institute for Genomic Medicine (IGM) Clinical Laboratory, Nationwide Children's Hospital
Classification: Tier II - Potential for Diffuse midline glioma, H3 K27M-mutant. Assertion type: diagnostic. Clinical significance: supports diagnosis. Last evaluated: 2025-10-08. Review status: criteria provided, single submitter. Criteria: AMP/ASCO/CAP Guidelines, 2017. Collection method: clinical testing. Allele origin: somatic. Affected: yes.
Comment: Variant has Tier II (potential) clinical significance as a diagnostic inclusion criterion in diffuse midline glioma, H3 K27M-mutant, based on the following evidence: 1) Documented in one or more cancer databases (e.g., St. Jude Pecan, COSMIC, CIViC, OncoKB). 2) Assists in diagnosis alone or along with other biomarkers based on small studies or few case reports (Evidence Level D; PMID: 30333046).

Ambry Genetics
Classification: Uncertain significance for Hereditary cancer-predisposing syndrome. Last evaluated: 2019-03-15. Review status: criteria provided, single submitter. Criteria: Ambry Variant Classification Scheme 2023. Collection method: clinical testing. Allele origin: germline.
Comment: The p.D779N variant (also known as c.2335G>A), located in coding exon 15 of the SMARCA4 gene, results from a G to A substitution at nucleotide position 2335. The aspartic acid at codon 779 is replaced by asparagine, an amino acid with highly similar properties. This amino acid position is highly conserved in available vertebrate species. In addition, this alteration is predicted to be deleterious by in silico analysis. Since supporting evidence is limited at this time, the clinical significance of this alteration remains unclear.

Literature cited by the submitters: PubMed 30333046 (cited by Institute for Genomic Medicine (IGM) Clinical Laboratory, Nationwide Children's Hospital); PubMed 25060813 (cited by Ambry Genetics).